The following is an entry in ClinVar:

ClinVar aggregate classification (germline): Pathogenic (1 of 4 stars; one submission).

Conditions:
Kabuki syndrome. Also called: NIIKAWA-KUROKI SYNDROME; Kabuki make-up syndrome. Identifiers: Orphanet 2322, MedGen C0796004, MONDO:0016512.

Submission:

Labcorp Genetics (formerly Invitae), Labcorp
Classification: Pathogenic for Kabuki syndrome. Last evaluated: 2024-04-05. Review status: criteria provided, single submitter. Criteria: Invitae Variant Classification Sherloc (09022015). Collection method: clinical testing. Allele origin: germline.
Comment: This sequence change creates a premature translational stop signal (p.Gly2114Alafs*30) in the KMT2D gene. It is expected to result in an absent or disrupted protein product. Loss-of-function variants in KMT2D are known to be pathogenic (PMID: 22126750). This variant is not present in population databases (gnomAD no frequency). This variant has not been reported in the literature in individuals affected with KMT2D-related conditions. For these reasons, this variant has been classified as Pathogenic.

Literature cited by the submitters: PubMed 22126750.

NM_003482.4(KMT2D):c.6341del (p.Gly2114fs)

Gene: KMT2D (lysine methyltransferase 2D; minus strand). Cytogenetic location: 12q13.12.
Variant type: Deletion.
Coding change: c.6341del on transcript NM_003482.4 (MANE Select); coding-DNA position 6341, one base deleted (G; older notation c.6341delG).
Protein change: p.Gly2114fs; shifts the reading frame from glycine 2114.
Molecular consequence: frameshift variant.
Genome position (GRCh38, 1-based): chr12:49,041,429, C deleted on the plus strand (G on the coding strand, the reverse complement: KMT2D is on the minus strand); the first of 3 consecutive C bases (chr12:49,041,429-49,041,431); deleting any one gives the same sequence. VCF-style (leftmost placement, unchanged base first): chr12-49041428-GC-G. GRCh37 (hg19) VCF-style: chr12-49435211-GC-G.
Other names: short protein forms G2114fs.
Identifiers: ClinVar variation 3648900 (VCV003648900.2).